The following is an entry in ClinVar:

ClinVar aggregate classification (germline): Uncertain significance (1 of 4 stars; one submission).

Conditions:
Inborn genetic diseases. Identifiers: MedGen C0950123, MeSH D030342.

Submission:

Ambry Genetics
Classification: Uncertain significance for Inborn genetic diseases. Last evaluated: 2026-01-14. Review status: criteria provided, single submitter. Criteria: Ambry Variant Classification Scheme 2023. Collection method: clinical testing. Allele origin: germline.
Comment: The p.E238G variant (also known as c.713A>G), located in coding exon 1 of the SH2B3 gene, results from an A to G substitution at nucleotide position 713. The glutamic acid at codon 238 is replaced by glycine, an amino acid with similar properties. This amino acid position is conserved. In addition, the in silico prediction for this alteration is inconclusive. Based on the available evidence, the clinical significance of this variant remains unclear.

NM_005475.3(SH2B3):c.713A>G (p.Glu238Gly)

Gene: SH2B3 (SH2B adaptor protein 3; plus strand). Cytogenetic location: 12q24.12.
Variant type: single nucleotide variant.
Coding change: c.713A>G on transcript NM_005475.3 (MANE Select); coding-DNA position 713, A replaced by G.
Protein change: p.Glu238Gly; replaces glutamic acid 238 with glycine.
Molecular consequence: missense variant.
Genome position (GRCh38, 1-based): chr12:111,418,858, A>G. VCF-style: chr12-111418858-A-G. GRCh37 (hg19) VCF-style: chr12-111856662-A-G.
Other names: short protein forms E238G.
Identifiers: ClinVar variation 4842834 (VCV004842834.1).